The following is an entry in ClinVar:

ClinVar aggregate classification (germline): Uncertain significance (1 of 4 stars; one submission).

Submission:

CeGaT Center for Human Genetics Tuebingen
Classification: Uncertain significance. Last evaluated: 2023-02-01. Review status: criteria provided, single submitter. Criteria: CeGaT Center For Human Genetics Tuebingen Variant Classification Criteria Version 2. Collection method: clinical testing. Allele origin: germline. Affected: yes. Observed: 1 variant allele.
Comment: KMT2D: PM2, PM4

NM_003482.4(KMT2D):c.11844_11864del (p.3948LQQQQQQ[1])

Gene: KMT2D (lysine methyltransferase 2D; minus strand). Cytogenetic location: 12q13.12.
Variant type: Deletion.
Coding change: c.11844_11864del on transcript NM_003482.4 (MANE Select); coding-DNA positions 11844 to 11864, 21 bases deleted (TCAACAGCAGCAACAGCAGCT).
Protein change: p.3948LQQQQQQ[1].
Molecular consequence: inframe deletion.
Genome position (GRCh38, 1-based): chr12:49,032,841-49,032,861, AGCTGCTGTTGCTGCTGTTGA deleted on the plus strand (TCAACAGCAGCAACAGCAGCT on the coding strand, the reverse complement: KMT2D is on the minus strand); deleting any 21 consecutive bases within chr12:49,032,841-49,032,866 gives the same sequence; the c. name uses the placement nearest the transcript's 3' end. VCF-style (leftmost placement, unchanged base first): chr12-49032840-TAGCTGCTGTTGCTGCTGTTGA-T. GRCh37 (hg19) VCF-style: chr12-49426623-TAGCTGCTGTTGCTGCTGTTGA-T.
Identifiers: ClinVar variation 2642941 (VCV002642941.24), dbSNP rs2498360332, ClinGen allele CA2618605346.